The following is an entry in ClinVar:

NM_000179.3(MSH6):c.260+4_260+5delinsTT

Genes: MSH6 (mutS homolog 6; plus strand), LOC129933707 (ATAC-STARR-seq lymphoblastoid silent region 11468; plus strand). Cytogenetic location: 2p16.3.
Variant type: Indel.
Coding change: c.260+4_260+5delinsTT on transcript NM_000179.3 (MANE Select); bases 4 to 5 of the intron after coding-DNA position 260, GC replaced by TT.
Molecular consequence: intron variant.
Genome position (GRCh38, 1-based): chr2:47,783,497-47,783,498, GC replaced by TT. VCF-style: chr2-47783497-GC-TT. GRCh37 (hg19) VCF-style: chr2-48010636-GC-TT.
Other names: c.-477+4_-477+5delinsTT (NM_001281493.2); c.237+27_237+28delinsTT (NM_001281492.2); c.260+4_260+5delGCinsTT (NM_000179.2).
Identifiers: ClinVar variation 422685 (VCV000422685.14), dbSNP rs1064795936, ClinGen allele CA16617624.

ClinVar aggregate classification (germline): Likely benign. Review status: criteria provided, multiple submitters, no conflicts (2 of 4 stars). 3 submissions from 3 submitters: Likely benign (3). Last evaluated 2025-07-18.

Conditions:
Hereditary nonpolyposis colorectal neoplasms. Identifiers: MedGen C0009405, MeSH D003123.
Hereditary cancer-predisposing syndrome. Also called: Hereditary neoplastic syndrome; Neoplastic Syndromes, Hereditary; Tumor predisposition; Hereditary Cancer Syndrome. Identifiers: Orphanet 140162, MedGen C0027672, MeSH D009386, MONDO:0015356.

Submissions (3):

Labcorp Genetics (formerly Invitae), Labcorp
Classification: Likely benign for Hereditary nonpolyposis colorectal neoplasms. Last evaluated: 2025-07-18. Review status: criteria provided, single submitter. Criteria: Invitae Variant Classification Sherloc (09022015). Collection method: clinical testing. Allele origin: germline.

Ambry Genetics
Classification: Likely benign for Hereditary cancer-predisposing syndrome. Last evaluated: 2025-02-07. Review status: criteria provided, single submitter. Criteria: Ambry Variant Classification Scheme 2023. Collection method: clinical testing. Allele origin: germline.

GeneDx
Classification: Likely benign. Last evaluated: 2016-11-02. Review status: criteria provided, single submitter. Criteria: GeneDx Variant Classification (06012015). Collection method: clinical testing. Allele origin: germline. Affected: yes.
Comment: This variant is considered likely benign or benign based on one or more of the following criteria: it is a conservative change, it occurs at a poorly conserved position in the protein, it is predicted to be benign by multiple in silico algorithms, and/or has population frequency not consistent with disease.